The following is an entry in ClinVar:

ClinVar aggregate classification (germline): Likely benign (1 of 4 stars; one submission).

Conditions:
IFT122-related disorder. Also called: IFT122-related condition.

Submission:

PreventionGenetics, part of Exact Sciences
Classification: Likely benign for IFT122-related condition. Last evaluated: 2025-07-09. Review status: criteria provided, single submitter. Criteria: ACMG Guidelines, 2015. Collection method: clinical testing. Allele origin: germline.
Comment: This variant is classified as likely benign based on ACMG/AMP sequence variant interpretation guidelines (Richards et al. 2015 PMID: 25741868, with internal and published modifications).

NM_052989.3(IFT122):c.840C>T (p.Asn280=)

Gene: IFT122 (intraflagellar transport 122; plus strand). Cytogenetic location: 3q21.3.
Variant type: single nucleotide variant.
Coding change: c.840C>T on transcript NM_052989.3 (MANE Select); coding-DNA position 840, C replaced by T.
Protein change: p.Asn280=; no amino-acid change (asparagine 280 retained).
Molecular consequence: synonymous variant.
Genome position (GRCh38, 1-based): chr3:129,476,338, C>T. VCF-style: chr3-129476338-C-T. GRCh37 (hg19) VCF-style: chr3-129195181-C-T.
Other names: c.816C>T, p.Asn272= (NM_001280541.2); c.390C>T, p.Asn130= (NM_001280545.2); c.213C>T, p.Asn71= (NM_001280546.2); c.840C>T, p.Asn280= (NM_001410808.1, NM_001410809.1); c.663C>T, p.Asn221= (NM_001410810.1, NM_001410811.1, NM_001410813.1 and 1 more transcripts); c.507C>T, p.Asn169= (NM_001410815.1, NM_001410817.1, NM_001438041.1 and 1 more transcripts); c.684C>T, p.Asn228= (NM_001438637.1, NM_001438638.1, NM_001438639.1 and 1 more transcripts); c.993C>T, p.Asn331= (NM_052985.4).
Identifiers: ClinVar variation 4997151 (VCV004997151.1).